The following is an entry in ClinVar:

NM_003265.3(TLR3):c.1613A>C (p.Gln538Pro)

Gene: TLR3 (toll like receptor 3; plus strand). Cytogenetic location: 4q35.1.
Variant type: single nucleotide variant.
Coding change: c.1613A>C on transcript NM_003265.3 (MANE Select); coding-DNA position 1613, A replaced by C.
Protein change: p.Gln538Pro; replaces glutamine 538 with proline.
Molecular consequence: missense variant.
Genome position (GRCh38, 1-based): chr4:186,083,299, A>C. VCF-style: chr4-186083299-A-C. GRCh37 (hg19) VCF-style: chr4-187004453-A-C.
Other names: short protein forms Q538P.
Identifiers: ClinVar variation 845774 (VCV000845774.10), dbSNP rs760275329, ClinGen allele CA3161445.

ClinVar aggregate classification (germline): Uncertain significance (1 of 4 stars; one submission).

Conditions:
Encephalopathy, acute, infection-induced (herpes-specific), susceptibility to, 1. Also called: Herpes simplex encephalitis, susceptibility to, 1. Identifiers: Orphanet 1930, MedGen C2750180, MONDO:0024563, OMIM 610551.

Allele frequency attached by ClinVar (database versions not stated): gnomAD exomes 0.00002; gnomAD 0.00001; ExAC 0.00002.
gnomAD v4.1: 5 of 1,614,110 alleles (0.00031%); highest among the groups gnomAD compares: Non-Finnish European, 0.00042%; no homozygotes.

Submission:

Labcorp Genetics (formerly Invitae), Labcorp
Classification: Uncertain significance for Encephalopathy, acute, infection-induced (herpes-specific), susceptibility to, 1. Last evaluated: 2022-06-07. Review status: criteria provided, single submitter. Criteria: Invitae Variant Classification Sherloc (09022015). Collection method: clinical testing. Allele origin: germline.
Comment: This variant is present in population databases (rs760275329, gnomAD 0.004%). This sequence change replaces glutamine, which is neutral and polar, with proline, which is neutral and non-polar, at codon 538 of the TLR3 protein (p.Gln538Pro). This variant has not been reported in the literature in individuals affected with TLR3-related conditions. ClinVar contains an entry for this variant (Variation ID: 845774). Algorithms developed to predict the effect of missense changes on protein structure and function are either unavailable or do not agree on the potential impact of this missense change (SIFT: "Deleterious"; PolyPhen-2: "Probably Damaging"; Align-GVGD: "Class C0"). In summary, the available evidence is currently insufficient to determine the role of this variant in disease. Therefore, it has been classified as a Variant of Uncertain Significance.